The following is an entry in ClinVar:

ClinVar aggregate classification (germline): Uncertain significance (1 of 4 stars; one submission).

Conditions:
MOGS-congenital disorder of glycosylation. Also called: CDG IIb; MOGS-CDG; GLUCOSIDASE I DEFICIENCY; CDG 2B. Identifiers: Orphanet 79330, MedGen C1853736, MONDO:0011629, OMIM 606056.

Allele frequency attached by ClinVar (database versions not stated): gnomAD exomes 0.00001; TOPMed 0.00001.
gnomAD v4.1: 14 of 1,614,070 alleles (0.00087%); highest among the groups gnomAD compares: African/African-American, 0.0013%; no homozygotes.

Submission:

Labcorp Genetics (formerly Invitae), Labcorp
Classification: Uncertain significance for MOGS-congenital disorder of glycosylation. Last evaluated: 2024-10-17. Review status: criteria provided, single submitter. Criteria: Invitae Variant Classification Sherloc (09022015). Collection method: clinical testing. Allele origin: germline.
Comment: This sequence change replaces arginine, which is basic and polar, with histidine, which is basic and polar, at codon 540 of the MOGS protein (p.Arg540His). This variant is not present in population databases (gnomAD no frequency). This missense change has been observed in individual(s) with clinical features of MOGS-CDG (PMID: 31925597, 35790351). ClinVar contains an entry for this variant (Variation ID: 1916222). Invitae Evidence Modeling of protein sequence and biophysical properties (such as structural, functional, and spatial information, amino acid conservation, physicochemical variation, residue mobility, and thermodynamic stability) has been performed for this missense variant. However, the output from this modeling did not meet the statistical confidence thresholds required to predict the impact of this variant on MOGS protein function. Experimental studies have shown that this missense change affects MOGS function (PMID: 31925597). In summary, the available evidence is currently insufficient to determine the role of this variant in disease. Therefore, it has been classified as a Variant of Uncertain Significance.

Literature cited by the submitters: PubMed 31925597; PubMed 35790351.

NM_006302.3(MOGS):c.1619G>A (p.Arg540His)

Gene: MOGS (mannosyl-oligosaccharide glucosidase; minus strand). Cytogenetic location: 2p13.1.
Variant type: single nucleotide variant.
Coding change: c.1619G>A on transcript NM_006302.3 (MANE Select); coding-DNA position 1619, G replaced by A.
Protein change: p.Arg540His; replaces arginine 540 with histidine.
Molecular consequence: missense variant.
Genome position (GRCh38, 1-based): chr2:74,462,170, C>T on the plus strand (G>A on the coding strand, the complement: MOGS is on the minus strand). VCF-style: chr2-74462170-C-T. GRCh37 (hg19) VCF-style: chr2-74689297-C-T.
Other names: c.1301G>A, p.Arg434His (NM_001146158.2); short protein forms R540H, R434H.
Identifiers: ClinVar variation 1916222 (VCV001916222.5), dbSNP rs1349913472, ClinGen allele CA347371670.